The following is an entry in ClinVar:

ClinVar aggregate classification (germline): Uncertain significance (1 of 4 stars; one submission).

Allele frequency attached by ClinVar (database versions not stated): ExAC 0.00003; TOPMed 0.00003; gnomAD 0.00005; ESP Exome Variant Server 0.00008.
gnomAD v4.1: 51 of 1,612,490 alleles (0.0032%); highest among the groups gnomAD compares: Non-Finnish European, 0.0042%; no homozygotes.

Submission:

Labcorp Genetics (formerly Invitae), Labcorp
Classification: Uncertain significance. Last evaluated: 2024-05-08. Review status: criteria provided, single submitter. Criteria: Invitae Variant Classification Sherloc (09022015). Collection method: clinical testing. Allele origin: germline.
Comment: This sequence change replaces proline, which is neutral and non-polar, with histidine, which is basic and polar, at codon 750 of the KMT2B protein (p.Pro750His). This variant is present in population databases (rs373844478, gnomAD 0.005%). This variant has not been reported in the literature in individuals affected with KMT2B-related conditions. ClinVar contains an entry for this variant (Variation ID: 2194890). Advanced modeling of protein sequence and biophysical properties (such as structural, functional, and spatial information, amino acid conservation, physicochemical variation, residue mobility, and thermodynamic stability) has been performed at Invitae for this missense variant, however the output from this modeling did not meet the statistical confidence thresholds required to predict the impact of this variant on KMT2B protein function. In summary, the available evidence is currently insufficient to determine the role of this variant in disease. Therefore, it has been classified as a Variant of Uncertain Significance.

NM_014727.3(KMT2B):c.2249C>A (p.Pro750His)

Gene: KMT2B (lysine methyltransferase 2B; plus strand). Cytogenetic location: 19q13.12.
Variant type: single nucleotide variant.
Coding change: c.2249C>A on transcript NM_014727.3 (MANE Select); coding-DNA position 2249, C replaced by A.
Protein change: p.Pro750His; replaces proline 750 with histidine.
Molecular consequence: missense variant.
Genome position (GRCh38, 1-based): chr19:35,721,596, C>A. VCF-style: chr19-35721596-C-A. GRCh37 (hg19) VCF-style: chr19-36212498-C-A.
Other names: short protein forms P750H.
Identifiers: ClinVar variation 2194890 (VCV002194890.4), dbSNP rs373844478, ClinGen allele CA9384381.